The following is an entry in ClinVar:

ClinVar aggregate classification (germline): Uncertain significance (1 of 4 stars; one submission).

Allele frequency attached by ClinVar (database versions not stated): ExAC 0.00001; gnomAD exomes 0.00001; TOPMed 0.00001; gnomAD 0.00002; ESP Exome Variant Server 0.00008.

Submission:

Ambry Genetics
Classification: Uncertain significance. Last evaluated: 2023-10-06. Review status: criteria provided, single submitter. Criteria: Ambry Variant Classification Scheme 2023. Collection method: clinical testing. Allele origin: germline.
Comment: The p.V457M variant (also known as c.1369G>A), located in coding exon 9 of the POLQ gene, results from a G to A substitution at nucleotide position 1369. The valine at codon 457 is replaced by methionine, an amino acid with highly similar properties. This amino acid position is conserved. In addition, the in silico prediction for this alteration is inconclusive. Since supporting evidence is limited at this time, the clinical significance of this alteration remains unclear.

NM_199420.4(POLQ):c.1369G>A (p.Val457Met)

Gene: POLQ (DNA polymerase theta; minus strand). Cytogenetic location: 3q13.33.
Variant type: single nucleotide variant.
Coding change: c.1369G>A on transcript NM_199420.4 (MANE Select); coding-DNA position 1369, G replaced by A.
Protein change: p.Val457Met; replaces valine 457 with methionine.
Molecular consequence: missense variant.
Genome position (GRCh38, 1-based): chr3:121,519,970, C>T on the plus strand (G>A on the coding strand, the complement: POLQ is on the minus strand). VCF-style: chr3-121519970-C-T. GRCh37 (hg19) VCF-style: chr3-121238817-C-T.
Other names: short protein forms V457M.
Identifiers: ClinVar variation 1770993 (VCV001770993.2), dbSNP rs372231559, ClinGen allele CA2563557.